The following is an entry in ClinVar:

NM_004380.3(CREBBP):c.5565C>G (p.Ile1855Met)

Gene: CREBBP (CREB binding protein; minus strand). Cytogenetic location: 16p13.3.
Variant type: single nucleotide variant.
Coding change: c.5565C>G on transcript NM_004380.3 (MANE Select); coding-DNA position 5565, C replaced by G.
Protein change: p.Ile1855Met; replaces isoleucine 1855 with methionine.
Molecular consequence: missense variant.
Genome position (GRCh38, 1-based): chr16:3,729,482, G>C on the plus strand (C>G on the coding strand, the complement: CREBBP is on the minus strand). VCF-style: chr16-3729482-G-C. GRCh37 (hg19) VCF-style: chr16-3779483-G-C.
Other names: c.5451C>G, p.Ile1817Met (NM_001079846.1); short protein forms I1817M, I1855M.
Identifiers: ClinVar variation 3367803 (VCV003367803.2).

ClinVar aggregate classification (germline): Uncertain significance. Review status: criteria provided, multiple submitters, no conflicts (2 of 4 stars). 2 submissions from 2 submitters: Uncertain significance (2). Last evaluated 2025-01-10.

Conditions:
Inborn genetic diseases. Identifiers: MedGen C0950123, MeSH D030342.

Submissions (2):

Ambry Genetics
Classification: Uncertain significance for Inborn genetic diseases. Last evaluated: 2025-01-10. Review status: criteria provided, single submitter. Criteria: Ambry Variant Classification Scheme 2023. Collection method: clinical testing. Allele origin: germline.

GeneDx
Classification: Uncertain significance. Last evaluated: 2024-01-10. Review status: criteria provided, single submitter. Criteria: GeneDx Variant Classification Process June 2021. Collection method: clinical testing. Allele origin: germline. Affected: yes.
Comment: Not observed at significant frequency in large population cohorts (gnomAD); In silico analysis supports that this missense variant does not alter protein structure/function; Has not been previously published as pathogenic or benign to our knowledge; This variant is associated with the following publications: (PMID: 27311832)